The following is an entry in ClinVar:

NM_004974.4(KCNA2):c.-3A>G

Gene: KCNA2 (potassium voltage-gated channel subfamily A member 2; minus strand). Cytogenetic location: 1p13.3.
Variant type: single nucleotide variant.
Coding change: c.-3A>G on transcript NM_004974.4 (MANE Select); 3 bases upstream of the start codon, A replaced by G.
Molecular consequence: 5 prime UTR variant.
Genome position (GRCh38, 1-based): chr1:110,604,785, T>C on the plus strand (A>G on the coding strand, the complement: KCNA2 is on the minus strand). VCF-style: chr1-110604785-T-C. GRCh37 (hg19) VCF-style: chr1-111147407-T-C.
Other names: c.-3A>G (NM_001204269.2).
Identifiers: ClinVar variation 3911960 (VCV003911960.2).

ClinVar aggregate classification (germline): Uncertain significance (1 of 4 stars; one submission).

gnomAD v4.1: 43 of 1,609,424 alleles (0.0027%); highest among the groups gnomAD compares: Middle Eastern, 0.017%; no homozygotes.

Submission:

Women's Health and Genetics/Laboratory Corporation of America, LabCorp
Classification: Uncertain significance. Last evaluated: 2025-07-02. Review status: criteria provided, single submitter. Criteria: LabCorp Variant Classification Summary - May 2015. Collection method: clinical testing. Allele origin: germline.
Comment: Variant summary: KCNA2 c.-3A>G is located in the untranslated mRNA region upstream of the initiation codon. The variant allele was found at a frequency of 3.2e-05 in 246208 control chromosomes. The available data on variant occurrences in the general population are insufficient to allow any conclusion about variant significance. To our knowledge, no occurrence of c.-3A>G in individuals affected with Developmental And Epileptic Encephalopathy, 32 and no experimental evidence demonstrating its impact on protein function have been reported. No submitters have cited clinical-significance assessments for this variant to ClinVar. Based on the evidence outlined above, the variant was classified as uncertain significance.